The following is an entry in ClinVar:

NM_006904.7(PRKDC):c.1208G>A (p.Gly403Asp)

Gene: PRKDC (protein kinase, DNA-activated, catalytic subunit; minus strand). Cytogenetic location: 8q11.21.
Variant type: single nucleotide variant.
Coding change: c.1208G>A on transcript NM_006904.7 (MANE Select); coding-DNA position 1208, G replaced by A.
Protein change: p.Gly403Asp; replaces glycine 403 with aspartic acid.
Molecular consequence: missense variant.
Genome position (GRCh38, 1-based): chr8:47,936,423, C>T on the plus strand (G>A on the coding strand, the complement: PRKDC is on the minus strand). VCF-style: chr8-47936423-C-T. GRCh37 (hg19) VCF-style: chr8-48848983-C-T.
Other names: c.1208G>A, p.Gly403Asp (NM_001081640.2); short protein forms G403D.
Identifiers: ClinVar variation 1749302 (VCV001749302.2), dbSNP rs2551879730, ClinGen allele CA371166193.

ClinVar aggregate classification (germline): Uncertain significance (1 of 4 stars; one submission).

gnomAD v4.1: 1 of 1,614,006 alleles (0.000062%); no homozygotes.

Submission:

Ambry Genetics
Classification: Uncertain significance. Last evaluated: 2022-04-29. Review status: criteria provided, single submitter. Criteria: Ambry Variant Classification Scheme 2023. Collection method: clinical testing. Allele origin: germline.
Comment: The p.G403D variant (also known as c.1208G>A), located in coding exon 12 of the PRKDC gene, results from a G to A substitution at nucleotide position 1208. The glycine at codon 403 is replaced by aspartic acid, an amino acid with similar properties. This amino acid position is conserved. In addition, this alteration is predicted to be tolerated by in silico analysis. Since supporting evidence is limited at this time, the clinical significance of this alteration remains unclear.